The following is an entry in ClinVar:

NM_022124.6(CDH23):c.310G>C (p.Glu104Gln)

Genes: CDH23 (cadherin related 23; plus strand), CDH23-AS1 (CDH23 antisense RNA 1; minus strand). Cytogenetic location: 10q22.1.
Variant type: single nucleotide variant.
Coding change: c.310G>C on transcript NM_022124.6 (MANE Select); coding-DNA position 310, G replaced by C.
Protein change: p.Glu104Gln; replaces glutamic acid 104 with glutamine.
Molecular consequence: missense variant.
Genome position (GRCh38, 1-based): chr10:71,510,975, G>C. VCF-style: chr10-71510975-G-C. GRCh37 (hg19) VCF-style: chr10-73270732-G-C.
Other names: c.310G>C, p.Glu104Gln (NM_001171930.2, NM_001171931.2, NM_001171932.2 and 1 more transcripts); short protein forms E104Q.
Identifiers: ClinVar variation 1504519 (VCV001504519.3), dbSNP rs772284876, ClinGen allele CA377115600.

ClinVar aggregate classification (germline): Uncertain significance (1 of 4 stars; one submission).

gnomAD v4.1: 3 of 1,613,870 alleles (0.00019%); highest among the groups gnomAD compares: Middle Eastern, 0.016%; no homozygotes.

Submission:

Labcorp Genetics (formerly Invitae), Labcorp
Classification: Uncertain significance. Last evaluated: 2022-06-27. Review status: criteria provided, single submitter. Criteria: Invitae Variant Classification Sherloc (09022015). Collection method: clinical testing. Allele origin: germline.
Comment: This sequence change replaces glutamic acid, which is acidic and polar, with glutamine, which is neutral and polar, at codon 104 of the CDH23 protein (p.Glu104Gln). This variant is present in population databases (no rsID available, gnomAD 0.0009%). This variant has not been reported in the literature in individuals affected with CDH23-related conditions. Algorithms developed to predict the effect of missense changes on protein structure and function are either unavailable or do not agree on the potential impact of this missense change (SIFT: "Deleterious"; PolyPhen-2: "Not Available"; Align-GVGD: "Class C0"). In summary, the available evidence is currently insufficient to determine the role of this variant in disease. Therefore, it has been classified as a Variant of Uncertain Significance.